The following is an entry in ClinVar:

ClinVar aggregate classification (germline): Uncertain significance. Review status: criteria provided, multiple submitters, no conflicts (2 of 4 stars). 2 submissions from 2 submitters: Uncertain significance (2). Last evaluated 2024-03-26.

gnomAD v4.1: 2 of 1,613,662 alleles (0.00012%); highest among the groups gnomAD compares: Non-Finnish European, 0.00017%; no homozygotes.

Submissions (2):

Revvity Omics, Revvity
Classification: Uncertain significance. Last evaluated: 2024-03-26. Review status: criteria provided, single submitter. Criteria: ACMG Guidelines, 2015. Collection method: clinical testing. Allele origin: germline.

ARUP Laboratories, Molecular Genetics and Genomics, ARUP Laboratories
Classification: Uncertain significance. Last evaluated: 2024-01-10. Review status: criteria provided, single submitter. Criteria: ARUP Molecular Germline Variant Investigation Process 2024. Collection method: clinical testing. Allele origin: germline.
Comment: The TTN c.96259G>A; p.Ala32087Thr variant (rs1216183725) is rare in the general population (<0.2% allele frequency in the Genome Aggregation Database) and has not been reported in the medical literature in association with dilated cardiomyopathy (DCM) or other TTN-related disease. The clinical relevance of rare missense variants in this gene, which are identified on average once per individual sequenced in affected populations (Herman 2012), is not well understood. Yet, evidence suggests that the vast majority of such missense variants do not contribute to the clinical outcome of DCM (Begay 2015). Thus, the clinical significance of the p.Ala32087Thr variant cannot be determined with certainty. REFERENCES Begay RL et al. Role of Titin Missense Variants in Dilated Cardiomyopathy. J Am Heart Assoc. 2015 Nov 13;4(11). PMID: 26567375. Herman DS et al. Truncations of titin causing dilated cardiomyopathy. N Engl J Med. 2012 Feb 16;366(7):619-28. PMID: 22335739. Linke WA and Hamdani N. Gigantic business: titin properties and function through thick and thin. Circ Res 2014; 114(6): 1052-1068. PMID: 24625729.

NM_001267550.2(TTN):c.96259G>A (p.Ala32087Thr)

Genes: TTN (titin; minus strand), TTN-AS1 (TTN antisense RNA 1; plus strand), LOC126806421 (CDK7 strongly-dependent group 2 enhancer GRCh37_chr2:179407630-179408829; plus strand). Cytogenetic location: 2q31.2.
Variant type: single nucleotide variant.
Coding change: c.96259G>A on transcript NM_001267550.2 (MANE Select); coding-DNA position 96259, G replaced by A.
Protein change: p.Ala32087Thr; replaces alanine 32087 with threonine.
Molecular consequence: missense variant.
Genome position (GRCh38, 1-based): chr2:178,543,885, C>T on the plus strand (G>A on the coding strand, the complement: TTN is on the minus strand). VCF-style: chr2-178543885-C-T. GRCh37 (hg19) VCF-style: chr2-179408612-C-T.
Other names: c.91336G>A, p.Ala30446Thr (NM_001256850.1); c.69064G>A, p.Ala23022Thr (NM_003319.4); c.88555G>A, p.Ala29519Thr (NM_133378.4); c.69439G>A, p.Ala23147Thr (NM_133432.3); c.69640G>A, p.Ala23214Thr (NM_133437.4); short protein forms A23022T, A23147T, A23214T, A29519T, A30446T, A32087T.
Identifiers: ClinVar variation 3766949 (VCV003766949.2).